The following is an entry in ClinVar:

ClinVar aggregate classification (germline): Uncertain significance (1 of 4 stars; one submission).

Allele frequency attached by ClinVar (database versions not stated): TOPMed below 0.00001.

Submission:

Labcorp Genetics (formerly Invitae), Labcorp
Classification: Uncertain significance. Last evaluated: 2025-11-10. Review status: criteria provided, single submitter. Criteria: Invitae Variant Classification Sherloc (09022015). Collection method: clinical testing. Allele origin: germline.
Comment: This sequence change replaces alanine, which is neutral and non-polar, with threonine, which is neutral and polar, at codon 70 of the AGPS protein (p.Ala70Thr). This variant is not present in population databases (gnomAD no frequency). This variant has not been reported in the literature in individuals affected with AGPS-related conditions. ClinVar contains an entry for this variant (Variation ID: 2003982). An algorithm developed to predict the effect of missense changes on protein structure and function (PolyPhen-2) suggests that this variant is likely to be tolerated. In summary, the available evidence is currently insufficient to determine the role of this variant in disease. Therefore, it has been classified as a Variant of Uncertain Significance.

NM_003659.4(AGPS):c.208G>A (p.Ala70Thr)

Gene: AGPS (alkylglycerone phosphate synthase; plus strand). Cytogenetic location: 2q31.2.
Variant type: single nucleotide variant.
Coding change: c.208G>A on transcript NM_003659.4 (MANE Select); coding-DNA position 208, G replaced by A.
Protein change: p.Ala70Thr; replaces alanine 70 with threonine.
Molecular consequence: missense variant.
Genome position (GRCh38, 1-based): chr2:177,392,997, G>A. VCF-style: chr2-177392997-G-A. GRCh37 (hg19) VCF-style: chr2-178257725-G-A.
Other names: short protein forms A70T.
Identifiers: ClinVar variation 2003982 (VCV002003982.4), dbSNP rs967836221, ClinGen allele CA61411772.